The following is an entry in ClinVar:

NM_000135.4(FANCA):c.2608T>A (p.Phe870Ile)

Genes: FANCA (FA complementation group A; minus strand), LOC130059837 (ATAC-STARR-seq lymphoblastoid active region 11420; plus strand). Cytogenetic location: 16q24.3.
Variant type: single nucleotide variant.
Coding change: c.2608T>A on transcript NM_000135.4 (MANE Select); coding-DNA position 2608, T replaced by A.
Protein change: p.Phe870Ile; replaces phenylalanine 870 with isoleucine.
Molecular consequence: missense variant.
Genome position (GRCh38, 1-based): chr16:89,765,060, A>T on the plus strand (T>A on the coding strand, the complement: FANCA is on the minus strand). VCF-style: chr16-89765060-A-T. GRCh37 (hg19) VCF-style: chr16-89831468-A-T.
Other names: c.2608T>A, p.Phe870Ile (NM_001286167.3); short protein forms F870I.
Identifiers: ClinVar variation 4254173 (VCV004254173.1).

ClinVar aggregate classification (germline): Uncertain significance (1 of 4 stars; one submission).

Conditions:
Inborn genetic diseases. Identifiers: MedGen C0950123, MeSH D030342.

Submission:

Ambry Genetics
Classification: Uncertain significance for Inborn genetic diseases. Last evaluated: 2025-07-02. Review status: criteria provided, single submitter. Criteria: Ambry Variant Classification Scheme 2023. Collection method: clinical testing. Allele origin: germline.
Comment: The p.F870I variant (also known as c.2608T>A), located in coding exon 28 of the FANCA gene, results from a T to A substitution at nucleotide position 2608. The phenylalanine at codon 870 is replaced by isoleucine, an amino acid with highly similar properties. This amino acid position is conserved. In addition, this alteration is predicted to be deleterious by in silico analysis. Based on the available evidence, the clinical significance of this variant remains unclear.